The following is an entry in ClinVar:

ClinVar aggregate classification (germline): Uncertain significance (1 of 4 stars; one submission).

Conditions:
Charcot-Marie-Tooth disease type 2. Also called: Charcot-Marie-Tooth type 2. Identifiers: Orphanet 64746, MedGen C0270914, MONDO:0018993.

Allele frequency attached by ClinVar (database versions not stated): ExAC 0.00003; gnomAD exomes 0.00001; TOPMed below 0.00001; gnomAD 0.00001.
gnomAD v4.1: 6 of 1,613,398 alleles (0.00037%); highest among the groups gnomAD compares: East Asian, 0.0022%; no homozygotes.

Submission:

Labcorp Genetics (formerly Invitae), Labcorp
Classification: Uncertain significance for Charcot-Marie-Tooth disease type 2. Last evaluated: 2025-02-13. Review status: criteria provided, single submitter. Criteria: Invitae Variant Classification Sherloc (09022015). Collection method: clinical testing. Allele origin: germline.
Comment: This sequence change replaces histidine, which is basic and polar, with tyrosine, which is neutral and polar, at codon 62 of the BSCL2 protein (p.His62Tyr). This variant is present in population databases (rs773037659, gnomAD 0.003%). This variant has not been reported in the literature in individuals affected with BSCL2-related conditions. ClinVar contains an entry for this variant (Variation ID: 2723055). Invitae Evidence Modeling of protein sequence and biophysical properties (such as structural, functional, and spatial information, amino acid conservation, physicochemical variation, residue mobility, and thermodynamic stability) indicates that this missense variant is not expected to disrupt BSCL2 protein function with a negative predictive value of 80%. In summary, the available evidence is currently insufficient to determine the role of this variant in disease. Therefore, it has been classified as a Variant of Uncertain Significance.

NM_001122955.4(BSCL2):c.376C>T (p.His126Tyr)

Genes: BSCL2 (BSCL2 lipid droplet biogenesis associated, seipin; minus strand), HNRNPUL2-BSCL2 (HNRNPUL2-BSCL2 readthrough (NMD candidate); minus strand). Cytogenetic location: 11q12.3.
Variant type: single nucleotide variant.
Coding change: c.376C>T on transcript NM_001122955.4 (MANE Select); coding-DNA position 376, C replaced by T.
Protein change: p.His126Tyr; replaces histidine 126 with tyrosine.
Molecular consequence: missense variant. On other transcripts: non-coding transcript variant (1).
Genome position (GRCh38, 1-based): chr11:62,705,329, G>A on the plus strand (C>T on the coding strand, the complement: BSCL2 is on the minus strand). VCF-style: chr11-62705329-G-A. GRCh37 (hg19) VCF-style: chr11-62472801-G-A.
Other names: c.184C>T, p.His62Tyr (NM_001130702.2, NM_032667.6); c.376C>T, p.His126Tyr (NM_001386027.1, NM_001386028.1); short protein forms H62Y, H126Y.
Identifiers: ClinVar variation 2723055 (VCV002723055.3), dbSNP rs773037659, ClinGen allele CA6053614.